The following is an entry in ClinVar:

NM_001297.5(CNGB1):c.1583T>C (p.Leu528Ser)

Gene: CNGB1 (cyclic nucleotide gated channel subunit beta 1; minus strand). Cytogenetic location: 16q21.
Variant type: single nucleotide variant.
Coding change: c.1583T>C on transcript NM_001297.5 (MANE Select); coding-DNA position 1583, T replaced by C.
Protein change: p.Leu528Ser; replaces leucine 528 with serine.
Molecular consequence: missense variant.
Genome position (GRCh38, 1-based): chr16:57,923,333, A>G on the plus strand (T>C on the coding strand, the complement: CNGB1 is on the minus strand). VCF-style: chr16-57923333-A-G. GRCh37 (hg19) VCF-style: chr16-57957237-A-G.
Other names: c.1565T>C, p.Leu522Ser (NM_001286130.2); short protein forms L522S, L528S.
Identifiers: ClinVar variation 1502485 (VCV001502485.6), dbSNP rs376369441, ClinGen allele CA8083385.
Genomic context (GRCh38, chr16:57,923,333, plus strand): 5'-TCAGTGTCCTTCGGGGTGGTGGGGTCAGACCAGGCAACCACTGGGGACTCTGCTGGTGAC[A>G]ACGCCTTGAGCTCTTCAGCCTCATCATCCTCAGAGGGCAGCTTCTTCCTGCAAAGACACA-3'
Protein context (NP_001288.3, residues 518-538): EDDEAEELKA[Leu528Ser]SPAESPVVAW

ClinVar aggregate classification (germline): Uncertain significance (1 of 4 stars; one submission).

Allele frequency attached by ClinVar (database versions not stated): gnomAD exomes below 0.00001; ExAC 0.00001; TOPMed 0.00003; gnomAD 0.00005 and 0.00006; ESP Exome Variant Server 0.00008.
gnomAD v4.1: 8 of 1,613,292 alleles (0.0005%); highest among the groups gnomAD compares: African/African-American, 0.0093%; no homozygotes.

Submission:

Labcorp Genetics (formerly Invitae), Labcorp
Classification: Uncertain significance. Last evaluated: 2021-10-13. Review status: criteria provided, single submitter. Criteria: Invitae Variant Classification Sherloc (09022015). Collection method: clinical testing. Allele origin: germline.
Comment: In summary, the available evidence is currently insufficient to determine the role of this variant in disease. Therefore, it has been classified as a Variant of Uncertain Significance. Advanced modeling of protein sequence and biophysical properties (such as structural, functional, and spatial information, amino acid conservation, physicochemical variation, residue mobility, and thermodynamic stability) performed at Invitae indicates that this missense variant is not expected to disrupt CNGB1 protein function. This variant has not been reported in the literature in individuals affected with CNGB1-related conditions. This variant is present in population databases (rs376369441, ExAC 0.01%). This sequence change replaces leucine with serine at codon 528 of the CNGB1 protein (p.Leu528Ser). The leucine residue is weakly conserved and there is a large physicochemical difference between leucine and serine.